The following is an entry in ClinVar:

ClinVar aggregate classification (germline): Uncertain significance. Review status: criteria provided, multiple submitters, no conflicts (2 of 4 stars). 5 submissions from 5 submitters: Uncertain significance (5). Last evaluated 2026-01-18.

Conditions:
Myofibrillar myopathy 2. Also called: MYOPATHY, DESMIN-RELATED, ASSOCIATED WITH MUTATION IN THE CRYAB GENE; MYOPATHY, MYOFIBRILLAR, ALPHA-B CRYSTALLIN-RELATED; MYOPATHY, MYOFIBRILLAR, 2A, ADULT-ONSET; MYOPATHY, MYOFIBRILLAR, WITH OR WITHOUT CATARACT AND/OR CARDIOMYOPATHY. Identifiers: Orphanet 280553, Orphanet 399058, MedGen C1837317, MONDO:0012130.
Fatal infantile hypertonic myofibrillar myopathy (MFM2B). Also called: MFM, FATAL INFANTILE HYPERTONIC, ALPHA-B CRYSTALLIN-RELATED; MYOPATHY, MYOFIBRILLAR, 2B, INFANTILE-ONSET. Identifiers: Orphanet 280553, MedGen C5190691, MONDO:0013472, OMIM 613869.
Cataract 16 multiple types. Also called: CATARACT, CONGENITAL LAMELLAR; CATARACT 16, CONGENITAL LAMELLAR; CATARACT 16, POSTERIOR POLAR. Identifiers: Orphanet 91492, Orphanet 98992, Orphanet 98993, Orphanet 98995, MedGen C3808377, MONDO:0013411, OMIM 613763.
Dilated cardiomyopathy 1II (CMD1II). Identifiers: Orphanet 154, MedGen C3554649, MONDO:0014073, OMIM 615184.
Cardiovascular phenotype. Identifiers: MedGen CN230736.

Allele frequency attached by ClinVar (database versions not stated): ExAC 0.00003; gnomAD 0.00003; TOPMed 0.00004; ESP Exome Variant Server 0.00008.
gnomAD v4.1: 90 of 1,612,966 alleles (0.0056%); highest among the groups gnomAD compares: Non-Finnish European, 0.0076%; no homozygotes.

Submissions (5):

Labcorp Genetics (formerly Invitae), Labcorp
Classification: Uncertain significance for Dilated cardiomyopathy 1II. Last evaluated: 2026-01-18. Review status: criteria provided, single submitter. Criteria: Invitae Variant Classification Sherloc (09022015). Collection method: clinical testing. Allele origin: germline.
Comment: This sequence change replaces proline, which is neutral and non-polar, with alanine, which is neutral and non-polar, at codon 39 of the CRYAB protein (p.Pro39Ala). This variant is present in population databases (rs145768025, gnomAD 0.006%). This variant has not been reported in the literature in individuals affected with CRYAB-related conditions. ClinVar contains an entry for this variant (Variation ID: 571646). An algorithm developed to predict the effect of missense changes on protein structure and function (PolyPhen-2) suggests that this variant is likely to be tolerated. In summary, the available evidence is currently insufficient to determine the role of this variant in disease. Therefore, it has been classified as a Variant of Uncertain Significance.

Ambry Genetics
Classification: Uncertain significance for Cardiovascular phenotype. Last evaluated: 2025-04-22. Review status: criteria provided, single submitter. Criteria: Ambry Variant Classification Scheme 2023. Collection method: clinical testing. Allele origin: germline.
Comment: The p.P39A variant (also known as c.115C>G), located in coding exon 1 of the CRYAB gene, results from a C to G substitution at nucleotide position 115. The proline at codon 39 is replaced by alanine, an amino acid with highly similar properties. This amino acid position is well conserved in available vertebrate species. In addition, the in silico prediction for this alteration is inconclusive. Since supporting evidence is limited at this time, the clinical significance of this alteration remains unclear.

Revvity Omics, Revvity
Classification: Uncertain significance. Last evaluated: 2024-11-13. Review status: criteria provided, single submitter. Criteria: ACMG Guidelines, 2015. Collection method: clinical testing. Allele origin: germline.

Fulgent Genetics
Classification: Uncertain significance for Cataract 16 multiple types; Fatal infantile hypertonic myofibrillar myopathy; Dilated cardiomyopathy 1II. Last evaluated: 2024-05-01. Review status: criteria provided, single submitter. Criteria: ACMG Guidelines, 2015. Collection method: clinical testing. Allele origin: germline.

GeneDx
Classification: Uncertain significance. Last evaluated: 2023-11-07. Review status: criteria provided, single submitter. Criteria: GeneDx Variant Classification Process June 2021. Collection method: clinical testing. Allele origin: germline. Affected: yes.
Comment: In silico analysis supports that this missense variant has a deleterious effect on protein structure/function; Has not been previously published as pathogenic or benign to our knowledge

NM_001289808.2(CRYAB):c.115C>G (p.Pro39Ala)

Gene: CRYAB (crystallin alpha B; minus strand). Cytogenetic location: 11q23.1.
Variant type: single nucleotide variant.
Coding change: c.115C>G on transcript NM_001289808.2 (MANE Select); coding-DNA position 115, C replaced by G.
Protein change: p.Pro39Ala; replaces proline 39 with alanine.
Molecular consequence: missense variant.
Genome position (GRCh38, 1-based): chr11:111,911,610, G>C on the plus strand (C>G on the coding strand, the complement: CRYAB is on the minus strand). VCF-style: chr11-111911610-G-C. GRCh37 (hg19) VCF-style: chr11-111782334-G-C.
Other names: c.115C>G, p.Pro39Ala (NM_001289807.1, NM_001368245.1, NM_001885.3); short protein forms P39A.
Identifiers: ClinVar variation 571646 (VCV000571646.19), dbSNP rs145768025, ClinGen allele CA6275571.